The following is an entry in ClinVar:

NM_194248.3(OTOF):c.960+1G>C

Gene: OTOF (otoferlin; minus strand). Cytogenetic location: 2p23.3.
Variant type: single nucleotide variant.
Coding change: c.960+1G>C on transcript NM_194248.3 (MANE Select); the canonical splice donor site of the intron after coding-DNA position 960, G replaced by C.
Molecular consequence: splice donor variant.
Genome position (GRCh38, 1-based): chr2:26,489,677, C>G on the plus strand (G>C on the coding strand, the complement: OTOF is on the minus strand). VCF-style: chr2-26489677-C-G. GRCh37 (hg19) VCF-style: chr2-26712545-C-G.
Other names: c.960+1G>C (NM_001287489.2).
Identifiers: ClinVar variation 2705549 (VCV002705549.3), dbSNP rs2465291241, ClinGen allele CA346138207.

ClinVar aggregate classification (germline): Likely pathogenic (1 of 4 stars; one submission).

Submission:

Labcorp Genetics (formerly Invitae), Labcorp
Classification: Likely pathogenic. Last evaluated: 2023-12-25. Review status: criteria provided, single submitter. Criteria: Invitae Variant Classification Sherloc (09022015). Collection method: clinical testing. Allele origin: germline.
Comment: This sequence change affects a donor splice site in intron 10 of the OTOF gene. It is expected to disrupt RNA splicing. Variants that disrupt the donor or acceptor splice site typically lead to a loss of protein function (PMID: 16199547), and loss-of-function variants in OTOF are known to be pathogenic (PMID: 18381613, 19250381, 22575033). This variant is not present in population databases (gnomAD no frequency). This variant has not been reported in the literature in individuals affected with OTOF-related conditions. Algorithms developed to predict the effect of sequence changes on RNA splicing suggest that this variant may disrupt the consensus splice site. In summary, the currently available evidence indicates that the variant is pathogenic, but additional data are needed to prove that conclusively. Therefore, this variant has been classified as Likely Pathogenic.

Literature cited by the submitters: PubMed 16199547; PubMed 18381613; PubMed 19250381; PubMed 22575033.